The following is an entry in ClinVar:

ClinVar aggregate classification (germline): Uncertain significance (1 of 4 stars; one submission).

Conditions:
Nemaline myopathy 2 (NEM2). Also called: Nemaline myopathy 2, autosomal recessive. Identifiers: MedGen C1850569, MONDO:0009725, OMIM 256030.

Submission:

Labcorp Genetics (formerly Invitae), Labcorp
Classification: Uncertain significance for Nemaline myopathy 2. Last evaluated: 2025-08-16. Review status: criteria provided, single submitter. Criteria: Invitae Variant Classification Sherloc (09022015). Collection method: clinical testing. Allele origin: germline.
Comment: This sequence change replaces aspartic acid, which is acidic and polar, with glycine, which is neutral and non-polar, at codon 3702 of the NEB protein (p.Asp3702Gly). This variant is not present in population databases (gnomAD no frequency). This variant has not been reported in the literature in individuals affected with NEB-related conditions. Experimental studies and prediction algorithms are not available or were not evaluated, and the functional significance of this variant is currently unknown. In summary, the available evidence is currently insufficient to determine the role of this variant in disease. Therefore, it has been classified as a Variant of Uncertain Significance.

NM_001164508.2(NEB):c.11105A>G (p.Asp3702Gly)

Gene: NEB (nebulin; minus strand). Cytogenetic location: 2q23.3.
Variant type: single nucleotide variant.
Coding change: c.11105A>G on transcript NM_001164508.2 (MANE Select); coding-DNA position 11105, A replaced by G.
Protein change: p.Asp3702Gly; replaces aspartic acid 3702 with glycine.
Molecular consequence: missense variant.
Genome position (GRCh38, 1-based): chr2:151,617,440, T>C on the plus strand (A>G on the coding strand, the complement: NEB is on the minus strand). VCF-style: chr2-151617440-T-C. GRCh37 (hg19) VCF-style: chr2-152473954-T-C.
Other names: c.11105A>G, p.Asp3702Gly (NM_001164507.2, NM_001271208.2); c.10376A>G, p.Asp3459Gly (NM_004543.5); short protein forms D3459G, D3702G.
Identifiers: ClinVar variation 4725478 (VCV004725478.1).